The following is an entry in ClinVar:

NM_000138.5(FBN1):c.455G>A (p.Ser152Asn)

Gene: FBN1 (fibrillin 1; minus strand). Cytogenetic location: 15q21.1.
Variant type: single nucleotide variant.
Coding change: c.455G>A on transcript NM_000138.5 (MANE Select); coding-DNA position 455, G replaced by A.
Protein change: p.Ser152Asn; replaces serine 152 with asparagine.
Molecular consequence: missense variant.
Genome position (GRCh38, 1-based): chr15:48,596,366, C>T on the plus strand (G>A on the coding strand, the complement: FBN1 is on the minus strand). VCF-style: chr15-48596366-C-T. GRCh37 (hg19) VCF-style: chr15-48888563-C-T.
Other names: short protein forms S152N.
Identifiers: ClinVar variation 1306834 (VCV001306834.7), dbSNP rs1288527435, ClinGen allele CA392446390.

ClinVar aggregate classification (germline): Uncertain significance. Review status: criteria provided, multiple submitters, no conflicts (2 of 4 stars). 2 submissions from 2 submitters: Uncertain significance (2). Last evaluated 2021-10-08.

Conditions:
Marfan syndrome (MFS). Also called: Marfan syndrome type 1; Marfan's syndrome; FBN1-Related Marfan Syndrome; MARFAN SYNDROME, TYPE I; Marfan syndrome, classic. Identifiers: Orphanet 284963, Orphanet 558, MedGen C0024796, MONDO:0007947, OMIM 154700.
Familial thoracic aortic aneurysm and aortic dissection (TAAD). Also called: Thoracic aortic aneurysms and dissections. Identifiers: Orphanet 91387, MedGen C4707243, MONDO:0019625.

Allele frequency attached by ClinVar (database versions not stated): gnomAD exomes below 0.00001.
gnomAD v4.1: 1 of 1,614,012 alleles (0.000062%); no homozygotes.

Submissions (2):

Labcorp Genetics (formerly Invitae), Labcorp
Classification: Uncertain significance for Marfan syndrome; Familial thoracic aortic aneurysm and aortic dissection. Last evaluated: 2021-10-08. Review status: criteria provided, single submitter. Criteria: Invitae Variant Classification Sherloc (09022015). Collection method: clinical testing. Allele origin: germline.
Comment: This sequence change replaces serine with asparagine at codon 152 of the FBN1 protein (p.Ser152Asn). The serine residue is moderately conserved and there is a small physicochemical difference between serine and asparagine. This variant is not present in population databases (ExAC no frequency). This variant has not been reported in the literature in individuals with FBN1-related conditions. Advanced modeling of protein sequence and biophysical properties (such as structural, functional, and spatial information, amino acid conservation, physicochemical variation, residue mobility, and thermodynamic stability) performed at Invitae indicates that this missense variant is not expected to disrupt FBN1 protein function. In summary, the available evidence is currently insufficient to determine the role of this variant in disease. Therefore, it has been classified as a Variant of Uncertain Significance.

GeneDx
Classification: Uncertain significance. Last evaluated: 2019-06-27. Review status: criteria provided, single submitter. Criteria: GeneDx Variant Classification Process June 2021. Collection method: clinical testing. Allele origin: germline. Affected: yes.
Comment: Has not been previously published as pathogenic or benign to our knowledge; Not observed at a significant frequency in large population cohorts (Lek et al., 2016); In silico analysis, which includes protein predictors and evolutionary conservation, supports that this variant does not alter protein structure/function; Although located in an EGF-like domain of the FBN1 gene, it does not affect a cysteine residue within this domain; cysteine substitutions in the EGF-like domains represent the majority of pathogenic missense changes associated with FBN1-related disorders (Collod-Beroud et al., 2003)